The following is an entry in ClinVar:

NM_172107.4(KCNQ2):c.937G>A (p.Gly313Arg)

Gene: KCNQ2 (potassium voltage-gated channel subfamily Q member 2; minus strand). Cytogenetic location: 20q13.33.
Variant type: single nucleotide variant.
Coding change: c.937G>A on transcript NM_172107.4 (MANE Select); coding-DNA position 937, G replaced by A.
Protein change: p.Gly313Arg; replaces glycine 313 with arginine.
Molecular consequence: missense variant.
Genome position (GRCh38, 1-based): chr20:63,438,711, C>T on the plus strand (G>A on the coding strand, the complement: KCNQ2 is on the minus strand). VCF-style: chr20-63438711-C-T. GRCh37 (hg19) VCF-style: chr20-62070064-C-T.
Other names: c.937G>A (NM_172107.2); c.937G>A, p.Gly313Arg (NM_001382235.1, NM_004518.6, NM_172106.3 and 2 more transcripts); short protein forms G313R.
Identifiers: ClinVar variation 2584390 (VCV002584390.27), dbSNP rs796052639, ClinGen allele CA409652321.

ClinVar aggregate classification (germline): Pathogenic/Likely pathogenic. Review status: criteria provided, multiple submitters, no conflicts (2 of 4 stars). 4 submissions from 4 submitters: Pathogenic (3); Likely pathogenic (1). Last evaluated 2024-01-01.

Conditions:
Early-infantile DEE. Also called: Early infantile epileptic encephalopathy; Ohtahara syndrome; Early infantile epileptic encephalopathy with suppression bursts. Identifiers: Orphanet 1934, MedGen C0393706, MONDO:0800491.
Developmental and epileptic encephalopathy, 7 (DEE7). Also called: Early infantile epileptic encephalopathy 7; KCNQ2-Related Neonatal Epileptic Encephalopathy; KCNQ2-Related Neonatal-Onset Developmental and Epileptic Encephalopathy (NEO-DEE). Identifiers: Orphanet 439218, MedGen C3150986, MONDO:0013387, OMIM 613720.

Submissions (4):

CeGaT Center for Human Genetics Tuebingen
Classification: Likely pathogenic. Last evaluated: 2024-01-01. Review status: criteria provided, single submitter. Criteria: CeGaT Center For Human Genetics Tuebingen Variant Classification Criteria Version 2. Collection method: clinical testing. Allele origin: germline. Affected: yes. Observed: 1 variant allele.
Comment: KCNQ2: PM1, PM2, PM6:Supporting, PP2, PP3, PS3:Supporting, PS4:Supporting

GeneDx
Classification: Pathogenic. Last evaluated: 2023-09-01. Review status: criteria provided, single submitter. Criteria: GeneDx Variant Classification Process June 2021. Collection method: clinical testing. Allele origin: germline. Affected: yes.
Comment: Published functional studies demonstrate a damaging effect with a dominant negative mechanism (Nappi et al., 2022); In silico analysis supports that this missense variant has a deleterious effect on protein structure/function; Missense variants in this gene are often considered pathogenic (HGMD); Not observed at significant frequency in large population cohorts (gnomAD); This substitution is predicted to be within the C-terminal cytoplasmic domain; This variant is associated with the following publications: (PMID: 28133863, 35377796)

Labcorp Genetics (formerly Invitae), Labcorp
Classification: Pathogenic for Early-infantile DEE. Last evaluated: 2022-12-12. Review status: criteria provided, single submitter. Criteria: Invitae Variant Classification Sherloc (09022015). Collection method: clinical testing. Allele origin: germline.
Comment: This sequence change replaces glycine, which is neutral and non-polar, with arginine, which is basic and polar, at codon 313 of the KCNQ2 protein (p.Gly313Arg). This variant is not present in population databases (gnomAD no frequency). This missense change has been observed in individual(s) with KCNQ2-related conditions (PMID: 28133863). In at least one individual the variant was observed to be de novo. This variant is also known as Kv7.2 G1R. Advanced modeling of protein sequence and biophysical properties (such as structural, functional, and spatial information, amino acid conservation, physicochemical variation, residue mobility, and thermodynamic stability) performed at Invitae indicates that this missense variant is expected to disrupt KCNQ2 protein function. Experimental studies have shown that this missense change affects KCNQ2 function (PMID: 35377796). This variant disrupts the p.Gly313 amino acid residue in KCNQ2. Other variant(s) that disrupt this residue have been determined to be pathogenic (Invitae). This suggests that this residue is clinically significant, and that variants that disrupt this residue are likely to be disease-causing. For these reasons, this variant has been classified as Pathogenic.

Institute of Human Genetics Munich, TUM University Hospital
Classification: Pathogenic for Developmental and epileptic encephalopathy, 7. Last evaluated: 2022-08-30. Review status: criteria provided, single submitter. Criteria: Classification criteria August 2017. Collection method: clinical testing. Allele origin: de novo. Inheritance: Autosomal dominant inheritance. Affected: yes. Observed: 1 variant allele.

Literature cited by the submitters: PubMed 28133863 (cited by Labcorp Genetics (formerly Invitae), Labcorp); PubMed 35377796 (cited by Labcorp Genetics (formerly Invitae), Labcorp).